The following is an entry in ClinVar:

ClinVar aggregate classification (germline): Likely benign. Review status: criteria provided, multiple submitters, no conflicts (2 of 4 stars). 3 submissions from 3 submitters: Likely benign (2). 1 of the submissions does not count toward it. Last evaluated 2024-11-15.

Conditions:
FRMPD4-related disorder. Also called: FRMPD4-related condition.
Inborn genetic diseases. Identifiers: MedGen C0950123, MeSH D030342.

Allele frequency attached by ClinVar (database versions not stated): gnomAD 0.00001; gnomAD exomes 0.00001; ExAC 0.00003; TOPMed 0.00004; ESP Exome Variant Server 0.00009.

Submissions (3):

Ambry Genetics
Classification: Likely benign for Inborn genetic diseases. Last evaluated: 2024-11-15. Review status: criteria provided, single submitter. Criteria: Ambry Variant Classification Scheme 2023. Collection method: clinical testing. Allele origin: germline.

CeGaT Center for Human Genetics Tuebingen
Classification: Likely benign. Last evaluated: 2022-12-01. Review status: criteria provided, single submitter. Criteria: CeGaT Center For Human Genetics Tuebingen Variant Classification Criteria Version 2. Collection method: clinical testing. Allele origin: germline. Affected: yes. Observed: 1 variant allele.
Comment: FRMPD4: BP4, BS2

PreventionGenetics, part of Exact Sciences
Classification: Likely benign for FRMPD4-related condition. Last evaluated: 2023-04-10. Review status: no assertion criteria provided. Collection method: clinical testing. Allele origin: germline. Not counted in ClinVar's aggregate classification.
Comment: This variant is classified as likely benign based on ACMG/AMP sequence variant interpretation guidelines (Richards et al. 2015 PMID: 25741868, with internal and published modifications).

NM_001368397.1(FRMPD4):c.125C>T (p.Thr42Met)

Gene: FRMPD4 (FERM and PDZ domain containing 4; plus strand). Cytogenetic location: Xp22.2.
Variant type: single nucleotide variant.
Coding change: c.125C>T on transcript NM_001368397.1 (MANE Select); coding-DNA position 125, C replaced by T.
Protein change: p.Thr42Met; replaces threonine 42 with methionine.
Molecular consequence: missense variant.
Genome position (GRCh38, 1-based): chrX:12,498,763, C>T. VCF-style: chrX-12498763-C-T. GRCh37 (hg19) VCF-style: chrX-12516882-C-T.
Other names: c.236C>T, p.Thr79Met (NM_001368395.3, NM_001368398.3); c.125C>T, p.Thr42Met (NM_001368396.3, NM_014728.3); c.116C>T, p.Thr39Met (NM_001368399.3); c.5C>T, p.Thr2Met (NM_001368400.3); c.101C>T, p.Thr34Met (NM_001368401.1, NM_001368402.3); short protein forms T2M, T34M, T39M, T42M, T79M.
Identifiers: ClinVar variation 2660001 (VCV002660001.26), dbSNP rs146122430, ClinGen allele CA10349051.